The following is an entry in ClinVar:

NM_152305.3(POGLUT1):c.175G>T (p.Gly59Cys)

Gene: POGLUT1 (protein O-glucosyltransferase 1; plus strand). Cytogenetic location: 3q13.33.
Variant type: single nucleotide variant.
Coding change: c.175G>T on transcript NM_152305.3 (MANE Select); coding-DNA position 175, G replaced by T.
Protein change: p.Gly59Cys; replaces glycine 59 with cysteine.
Molecular consequence: missense variant. On other transcripts: non-coding transcript variant (1).
Genome position (GRCh38, 1-based): chr3:119,469,909, G>T. VCF-style: chr3-119469909-G-T. GRCh37 (hg19) VCF-style: chr3-119188756-G-T.
Other names: short protein forms G59C.
Identifiers: ClinVar variation 4724993 (VCV004724993.1).

ClinVar aggregate classification (germline): Uncertain significance (1 of 4 stars; one submission).

gnomAD v4.1: 67 of 1,561,516 alleles (0.0043%); highest among the groups gnomAD compares: Middle Eastern, 0.033%; no homozygotes.

Submission:

Labcorp Genetics (formerly Invitae), Labcorp
Classification: Uncertain significance. Last evaluated: 2025-09-29. Review status: criteria provided, single submitter. Criteria: Invitae Variant Classification Sherloc (09022015). Collection method: clinical testing. Allele origin: germline.
Comment: This sequence change replaces glycine, which is neutral and non-polar, with cysteine, which is neutral and slightly polar, at codon 59 of the POGLUT1 protein (p.Gly59Cys). This variant is present in population databases (rs200523009, gnomAD 0.007%). This variant has not been reported in the literature in individuals affected with POGLUT1-related conditions. An algorithm developed to predict the effect of missense changes on protein structure and function (PolyPhen-2) suggests that this variant is likely to be disruptive. In summary, the available evidence is currently insufficient to determine the role of this variant in disease. Therefore, it has been classified as a Variant of Uncertain Significance.